The following is an entry in ClinVar:

ClinVar aggregate classification (germline): Uncertain significance (1 of 4 stars; one submission).

Conditions:
Hereditary cancer-predisposing syndrome. Also called: Neoplastic Syndromes, Hereditary; Hereditary Cancer Syndrome; Hereditary neoplastic syndrome; Tumor predisposition. Identifiers: Orphanet 140162, MedGen C0027672, MeSH D009386, MONDO:0015356.

Submission:

Ambry Genetics
Classification: Uncertain significance for Hereditary cancer-predisposing syndrome. Last evaluated: 2026-04-25. Review status: criteria provided, single submitter. Criteria: Ambry Variant Classification Scheme 2023. Collection method: clinical testing. Allele origin: germline.
Comment: The p.N152S variant (also known as c.455A>G), located in coding exon 4 of the FH gene, results from an A to G substitution at nucleotide position 455. The asparagine at codon 152 is replaced by serine, an amino acid with highly similar properties. This amino acid position is conserved. In addition, this alteration is predicted to be deleterious by in silico analysis. Based on the available evidence, the clinical significance of this variant remains unclear.

NM_000143.4(FH):c.455A>G (p.Asn152Ser)

Gene: FH (fumarate hydratase; minus strand). Cytogenetic location: 1q43.
Variant type: single nucleotide variant.
Coding change: c.455A>G on transcript NM_000143.4 (MANE Select); coding-DNA position 455, A replaced by G.
Protein change: p.Asn152Ser; replaces asparagine 152 with serine.
Molecular consequence: missense variant.
Genome position (GRCh38, 1-based): chr1:241,512,067, T>C on the plus strand (A>G on the coding strand, the complement: FH is on the minus strand). VCF-style: chr1-241512067-T-C. GRCh37 (hg19) VCF-style: chr1-241675367-T-C.
Other names: short protein forms N152S.
Identifiers: ClinVar variation 4871325 (VCV004871325.1).